The following is an entry in ClinVar:

NM_004973.4(JARID2):c.3558+5G>T

Gene: JARID2 (jumonji and AT-rich interaction domain containing 2; plus strand). Cytogenetic location: 6p22.3.
Variant type: single nucleotide variant.
Coding change: c.3558+5G>T on transcript NM_004973.4 (MANE Select); 5 bases into the intron after coding-DNA position 3558, G replaced by T.
Molecular consequence: intron variant.
Genome position (GRCh38, 1-based): chr6:15,517,273, G>T. VCF-style: chr6-15517273-G-T. GRCh37 (hg19) VCF-style: chr6-15517504-G-T.
Other names: c.3042+5G>T (NM_001267040.1).
Identifiers: ClinVar variation 4686641 (VCV004686641.1).

ClinVar aggregate classification (germline): Uncertain significance (1 of 4 stars; one submission).

Conditions:
Developmental delay with variable intellectual disability and dysmorphic facies. Identifiers: MedGen C5774242, MONDO:0859306, OMIM 620098.

Submission:

Institute of Human Genetics, University of Goettingen
Classification: Uncertain significance for Developmental delay with variable intellectual disability and dysmorphic facies. Last evaluated: 2025-05-26. Review status: criteria provided, single submitter. Criteria: ACMG Guidelines, 2015. Collection method: clinical testing. Allele origin: unknown. Inheritance: Autosomal dominant inheritance. Affected: yes. Observed: 1 heterozygote.
Comment: The variant c.3558+5G>T (p.(?)) in intron 17 of the JARID2-gene is not found in the gnomAD database and affects a moderately conserved nucleotide. This variant has an impact on splicing based on in silico prediction algorithms. ACMG criteria used for classification: PM2_sup, PP3.